The following is an entry in ClinVar:

Conditions:
Breast-ovarian cancer, familial, susceptibility to, 1 (BROVCA1). Also called: BRCA1 Hereditary Breast and Ovarian Cancer; OVARIAN CANCER, SUSCEPTIBILITY TO. Identifiers: Orphanet 145, MedGen C2676676, MONDO:0011450, OMIM 604370. Disease mechanism: loss of function.

Submission:

Brotman Baty Institute, University of Washington
No classification provided (evidence only). Condition: Breast-ovarian cancer, familial 1. Review status: no classification provided. Collection method: in vitro. Allele origin: not applicable. Functional consequence: functionally_normal.
ClinVar note: "not provided" was previously submitted as the classification for the variant. However, the classification appeared to be based only on an observation of functional data so it was converted to no classification on 2025-07-30.

NM_007294.4(BRCA1):c.5332+15G>A

Gene: BRCA1 (BRCA1 DNA repair associated; minus strand). Cytogenetic location: 17q21.31.
Variant type: single nucleotide variant.
Coding change: c.5332+15G>A on transcript NM_007294.4 (MANE Select); 15 bases into the intron after coding-DNA position 5332, G replaced by A.
Molecular consequence: intron variant.
Genome position (GRCh38, 1-based): chr17:43,051,048, C>T on the plus strand (G>A on the coding strand, the complement: BRCA1 is on the minus strand). VCF-style: chr17-43051048-C-T. GRCh37 (hg19) VCF-style: chr17-41203065-C-T.
Other names: c.1879+15G>A (NM_001408458.1, NM_001408461.1, NM_001408464.1 and 7 more transcripts); c.4441+15G>A (NM_001407967.1); c.4951+15G>A (NM_001407959.1); c.5065+15G>A (NM_001407931.1, NM_001407932.1, NM_001407928.1 and 4 more transcripts); c.5188+15G>A (NM_001407747.1, NM_001407745.1, NM_001407737.1 and 21 more transcripts); c.4948+15G>A (NM_001407962.1, NM_001407960.1); c.1519+15G>A (NM_001408512.1); c.1642+15G>A (NM_001408510.1); and 74 more.
Identifiers: ClinVar variation 865329 (VCV000865329.3), dbSNP rs80358148, ClinGen allele CA916080987.